The following is an entry in ClinVar:

ClinVar aggregate classification (germline): Likely pathogenic (1 of 4 stars; one submission).

Conditions:
Distal arthrogryposis type 5D (DA5D). Identifiers: Orphanet 329457, MedGen C3554415, MONDO:0014028, OMIM 615065.

Allele frequency attached by ClinVar (database versions not stated): gnomAD exomes 0.00001; TOPMed 0.00001; ESP Exome Variant Server 0.00008; ExAC 0.00001; gnomAD 0.00001.

Submission:

Institute of Human Genetics, University of Leipzig Medical Center
Classification: Likely pathogenic for Distal arthrogryposis type 5D. Last evaluated: 2023-03-09. Review status: criteria provided, single submitter. Criteria: ACMG Guidelines, 2015. Collection method: clinical testing. Allele origin: paternal. Inheritance: Autosomal recessive inheritance. Affected: yes.
Comment: Criteria applied: PM2_SUP,PP3, PM5_STR

NM_004826.4(ECEL1):c.1253G>A (p.Arg418His)

Gene: ECEL1 (endothelin converting enzyme like 1; minus strand). Cytogenetic location: 2q37.1.
Variant type: single nucleotide variant.
Coding change: c.1253G>A on transcript NM_004826.4 (MANE Select); coding-DNA position 1253, G replaced by A.
Protein change: p.Arg418His; replaces arginine 418 with histidine.
Molecular consequence: missense variant.
Genome position (GRCh38, 1-based): chr2:232,484,155, C>T on the plus strand (G>A on the coding strand, the complement: ECEL1 is on the minus strand). VCF-style: chr2-232484155-C-T. GRCh37 (hg19) VCF-style: chr2-233348865-C-T.
Other names: c.1253G>A, p.Arg418His (NM_001290787.2); short protein forms R418H.
Identifiers: ClinVar variation 2500295 (VCV002500295.3), dbSNP rs371924008, ClinGen allele CA2167354.